The following is an entry in ClinVar:

NM_000531.6(OTC):c.582C>T (p.Ile194=)

Gene: OTC (ornithine transcarbamylase; plus strand). Cytogenetic location: Xp11.4.
Variant type: single nucleotide variant.
Coding change: c.582C>T on transcript NM_000531.6 (MANE Select); coding-DNA position 582, C replaced by T.
Protein change: p.Ile194=; no amino-acid change (isoleucine 194 retained).
Molecular consequence: synonymous variant.
Genome position (GRCh38, 1-based): chrX:38,403,659, C>T. VCF-style: chrX-38403659-C-T. GRCh37 (hg19) VCF-style: chrX-38262912-C-T.
Identifiers: ClinVar variation 705818 (VCV000705818.45), dbSNP rs200564773, ClinGen allele CA10385893.

ClinVar aggregate classification (germline): Benign/Likely benign. Review status: criteria provided, multiple submitters, no conflicts (2 of 4 stars). 7 submissions from 7 submitters: Benign (4); Likely benign (2). 1 of the submissions does not count toward it. Last evaluated 2026-02-01.

Conditions:
Ornithine carbamoyltransferase deficiency (OTCD). Also called: Ornithine Carbamoyltransferase Deficiency Disease; ORNITHINE TRANSCARBAMYLASE DEFICIENCY; ORNITHINE TRANSCARBAMYLASE DEFICIENCY, HYPERAMMONEMIA DUE TO; OTC DEFICIENCY. Identifiers: Orphanet 664, MedGen C0268542, MONDO:0010703, OMIM 311250.

Allele frequency attached by ClinVar (database versions not stated): ESP Exome Variant Server 0.00009; gnomAD 0.00018; TOPMed 0.00021.
gnomAD v4.1: 221 of 1,205,719 alleles (0.018%); highest among the groups gnomAD compares: South Asian, 0.012%; 1 homozygote.

Submissions (7):

CeGaT Center for Human Genetics Tuebingen
Classification: Likely benign. Last evaluated: 2026-02-01. Review status: criteria provided, single submitter. Criteria: CeGaT Center For Human Genetics Tuebingen Variant Classification Criteria Version 2. Collection method: clinical testing. Allele origin: germline. Affected: yes. Observed: 5 variant alleles.
Comment: OTC: BP4, BP7, BS2

Labcorp Genetics (formerly Invitae), Labcorp
Classification: Benign for Ornithine carbamoyltransferase deficiency. Last evaluated: 2026-01-28. Review status: criteria provided, single submitter. Criteria: Invitae Variant Classification Sherloc (09022015). Collection method: clinical testing. Allele origin: germline.

Blueprint Genetics
Classification: Likely benign. Last evaluated: 2024-10-18. Review status: criteria provided, single submitter. Criteria: ACMG Guidelines, 2015. Collection method: clinical testing. Allele origin: germline.

Color Diagnostics, LLC DBA Color Health
Classification: Benign for Ornithine carbamoyltransferase deficiency. Last evaluated: 2022-04-21. Review status: criteria provided, single submitter. Criteria: ACMG Guidelines, 2015. Collection method: clinical testing. Allele origin: germline.

Illumina Laboratory Services, Illumina
Classification: Benign for Ornithine carbamoyltransferase deficiency. Last evaluated: 2018-01-13. Review status: criteria provided, single submitter. Criteria: ICSL Variant Classification Criteria 13 December 2019. Collection method: clinical testing. Allele origin: germline.
Comment: This variant was observed in the ICSL laboratory as part of a predisposition screen in an ostensibly healthy population. It had not been previously curated by ICSL or reported in the Human Gene Mutation Database (HGMD: prior to June 1st, 2018), and was therefore a candidate for classification through an automated scoring system. Utilizing variant allele frequency, disease prevalence and penetrance estimates, and inheritance mode, an automated score was calculated to assess if this variant is too frequent to cause the disease. Based on the score and internal cut-off values, a variant classified as benign is not then subjected to further curation. The score for this variant resulted in a classification of benign for this disease.

Breakthrough Genomics
Classification: Benign. Review status: criteria provided, single submitter. Criteria: ACMG Guidelines, 2015. Collection method: not provided. Allele origin: germline. Inheritance: X-linked inheritance. Affected: yes.

Natera, Inc.
Classification: Benign for Ornithine transcarbamylase deficiency. Last evaluated: 2020-09-16. Review status: no assertion criteria provided. Collection method: clinical testing. Allele origin: germline. Not counted in ClinVar's aggregate classification.